The following is an entry in ClinVar:

NM_001083603.3(PTCH1):c.59A>C (p.Lys20Thr)

Gene: PTCH1 (patched 1; minus strand). Cytogenetic location: 9q22.32.
Variant type: single nucleotide variant.
Coding change: c.59A>C on transcript NM_001083603.3 (MANE Plus Clinical); coding-DNA position 59, A replaced by C.
Protein change: p.Lys20Thr; replaces lysine 20 with threonine.
Molecular consequence: missense variant. On other transcripts: 5 prime UTR variant (2).
Genome position (GRCh38, 1-based): chr9:95,516,762, T>G on the plus strand (A>C on the coding strand, the complement: PTCH1 is on the minus strand). VCF-style: chr9-95516762-T-G. GRCh37 (hg19) VCF-style: chr9-98279044-T-G.
Other names: c.-291A>C (NM_001354919.2, NM_001083602.3); short protein forms K20T.
Identifiers: ClinVar variation 4980827 (VCV004980827.1).

ClinVar aggregate classification (germline): Likely benign (1 of 4 stars; one submission).

Conditions:
PTCH1-related disorder. Also called: PTCH1-related disorders; PTCH1-related condition.

gnomAD v4.1: 1 of 1,613,240 alleles (0.000062%); highest among the groups gnomAD compares: Admixed American, 0.0017%; no homozygotes.

Submission:

PreventionGenetics, part of Exact Sciences
Classification: Likely benign for PTCH1-related condition. Last evaluated: 2025-03-11. Review status: criteria provided, single submitter. Criteria: ACMG Guidelines, 2015. Collection method: clinical testing. Allele origin: germline.
Comment: This variant is classified as likely benign based on ACMG/AMP sequence variant interpretation guidelines (Richards et al. 2015 PMID: 25741868, with internal and published modifications).